The following is an entry in ClinVar:

ClinVar aggregate classification (germline): Likely benign. Review status: criteria provided, multiple submitters, no conflicts (2 of 4 stars). 2 submissions from 2 submitters: Likely benign (2). Last evaluated 2025-10-01.

Submissions (2):

CeGaT Center for Human Genetics Tuebingen
Classification: Likely benign. Last evaluated: 2025-10-01. Review status: criteria provided, single submitter. Criteria: CeGaT Center For Human Genetics Tuebingen Variant Classification Criteria Version 2. Collection method: clinical testing. Allele origin: germline. Affected: yes. Observed: 1 variant allele.
Comment: POLR2A: BP4, BP7

Blueprint Genetics
Classification: Likely benign. Last evaluated: 2024-03-01. Review status: criteria provided, single submitter. Criteria: ACMG Guidelines, 2015. Collection method: clinical testing. Allele origin: germline.

NM_000937.5(POLR2A):c.5772G>A (p.Ser1924=)

Gene: POLR2A (RNA polymerase II subunit A; plus strand). Cytogenetic location: 17p13.1.
Variant type: single nucleotide variant.
Coding change: c.5772G>A on transcript NM_000937.5 (MANE Select); coding-DNA position 5772, G replaced by A.
Protein change: p.Ser1924=; no amino-acid change (serine 1924 retained).
Molecular consequence: synonymous variant.
Genome position (GRCh38, 1-based): chr17:7,514,038, G>A. VCF-style: chr17-7514038-G-A. GRCh37 (hg19) VCF-style: chr17-7417355-G-A.
Identifiers: ClinVar variation 4533725 (VCV004533725.7).
Genomic context (GRCh38, chr17:7,514,038, plus strand): 5'-AACCTCTCCCAAGTACTCACCTACTAGCCCCACTTACTCGCCCACTTCCCCCAAGTACTC[G>A]CCCACCAGCCCCACCTACTCGCCCACCTCCCCCAAAGGCTCAACCTACTCTCCCACTTCC-3'
Protein context (NP_000928.1, residues 1914-1934): PTYSPTSPKY[Ser1924=]PTSPTYSPTS